The following is an entry in ClinVar:

ClinVar aggregate classification (germline): Uncertain significance (1 of 4 stars; one submission).

Allele frequency attached by ClinVar (database versions not stated): TOPMed 0.00002; gnomAD 0.00002.
gnomAD v4.1: 45 of 1,611,250 alleles (0.0028%); highest among the groups gnomAD compares: Non-Finnish European, 0.0035%; no homozygotes.

Submission:

GeneDx
Classification: Uncertain significance. Last evaluated: 2020-01-15. Review status: criteria provided, single submitter. Criteria: GeneDx Variant Classification Process June 2021. Collection method: clinical testing. Allele origin: germline. Affected: yes.
Comment: Not observed at a significant frequency in large population cohorts (Lek et al., 2016); In silico analysis, which includes protein predictors and evolutionary conservation, supports that this variant does not alter protein structure/function; Has not been previously published as pathogenic or benign to our knowledge

NM_198525.3(KIF7):c.3391C>A (p.Gln1131Lys)

Genes: KIF7 (kinesin family member 7; minus strand), LOC126862216 (BRD4-independent group 4 enhancer GRCh37_chr15:90171995-90173194; plus strand). Cytogenetic location: 15q26.1.
Variant type: single nucleotide variant.
Coding change: c.3391C>A on transcript NM_198525.3 (MANE Select); coding-DNA position 3391, C replaced by A.
Protein change: p.Gln1131Lys; replaces glutamine 1131 with lysine.
Molecular consequence: missense variant.
Genome position (GRCh38, 1-based): chr15:89,629,501, G>T on the plus strand (C>A on the coding strand, the complement: KIF7 is on the minus strand). VCF-style: chr15-89629501-G-T. GRCh37 (hg19) VCF-style: chr15-90172732-G-T.
Other names: short protein forms Q1131K.
Identifiers: ClinVar variation 1311878 (VCV001311878.2), dbSNP rs1303482997, ClinGen allele CA393755620.
Genomic context (GRCh38, chr15:89,629,501, plus strand): 5'-GGTCCATCTCCAGGCGCTGCCGCTCCAGGGCCACCTCCAGCCAGTACACCAGCCTCTGCT[G>T]CTCCTCCAGCTGCATCTCCAGTTCCGAGAAGGCAATCTGCTGCTGGTGCTGCTCCTCTCG-3'
Protein context (NP_940927.2, residues 1121-1141): FSELEMQLEE[Gln1131Lys]QRLVYWLEVA